The following is an entry in ClinVar:

ClinVar aggregate classification (germline): Uncertain significance. Review status: criteria provided, single submitter (1 of 4 stars). 2 submissions from 2 submitters: Uncertain significance (1). 1 of the submissions does not count toward it. Last evaluated 2025-11-18.

Conditions:
Merosin deficient congenital muscular dystrophy (MDC1A). Also called: Congenital Muscular Dystrophy Type 1A (MDC1A); Congenital merosin-deficient muscular dystrophy 1A. Identifiers: Orphanet 258, MedGen C1263858, MONDO:0011925, OMIM 607855.
LAMA2-related muscular dystrophy (LAMA2-RD). Also called: Laminin alpha 2-related dystrophy. Identifiers: MedGen C5679788, MONDO:0100228.

Allele frequency attached by ClinVar (database versions not stated): TOPMed below 0.00001; gnomAD 0.00001.

Submissions (2):

Labcorp Genetics (formerly Invitae), Labcorp
Classification: Uncertain significance for LAMA2-related muscular dystrophy. Last evaluated: 2025-11-18. Review status: criteria provided, single submitter. Criteria: Invitae Variant Classification Sherloc (09022015). Collection method: clinical testing. Allele origin: germline.
Comment: This sequence change falls in intron 12 of the LAMA2 gene. It does not directly change the encoded amino acid sequence of the LAMA2 protein. It affects a nucleotide within the consensus splice site. This variant is not present in population databases (gnomAD no frequency). This variant has not been reported in the literature in individuals affected with LAMA2-related conditions. ClinVar contains an entry for this variant (Variation ID: 553328). Variants that disrupt the consensus splice site are a relatively common cause of aberrant splicing (PMID: 17576681, 9536098). Algorithms developed to predict the effect of sequence changes on RNA splicing suggest that this variant may disrupt the consensus splice site. In summary, the available evidence is currently insufficient to determine the role of this variant in disease. Therefore, it has been classified as a Variant of Uncertain Significance.

Counsyl
Classification: Uncertain significance for Merosin deficient congenital muscular dystrophy. Last evaluated: 2017-08-15. Review status: no assertion criteria provided. Collection method: clinical testing. Allele origin: unknown. Not counted in ClinVar's aggregate classification.

Literature cited by the submitters: PubMed 17576681 (cited by Labcorp Genetics (formerly Invitae), Labcorp); PubMed 9536098 (cited by Labcorp Genetics (formerly Invitae), Labcorp).

NM_000426.4(LAMA2):c.1782+2dup

Gene: LAMA2 (laminin subunit alpha 2; plus strand). Cytogenetic location: 6q22.33.
Variant type: Duplication.
Coding change: c.1782+2dup on transcript NM_000426.4 (MANE Select); the canonical splice donor site of the intron after coding-DNA position 1782, one base duplicated (T; older notation c.1782+2dupT).
Molecular consequence: splice donor variant.
Genome position (GRCh38, 1-based): chr6:129,192,855, T duplicated. VCF-style (leftmost placement, unchanged base first): chr6-129192854-G-GT. GRCh37 (hg19) VCF-style: chr6-129513999-G-GT.
Other names: c.1782+2dupT (NM_000426.3); c.1782+2dup (NM_001079823.2).
Identifiers: ClinVar variation 553328 (VCV000553328.3), dbSNP rs1272011145, ClinGen allele CA658821967.